The following is an entry in ClinVar:

ClinVar aggregate classification (germline): Uncertain significance (1 of 4 stars; one submission).

Conditions:
Paroxysmal nonkinesigenic dyskinesia. Also called: Paroxysmal non-kinesigenic dyskinesia. Identifiers: Orphanet 98810, MedGen C1869117, MONDO:0700088.

Submission:

Labcorp Genetics (formerly Invitae), Labcorp
Classification: Uncertain significance for Paroxysmal nonkinesigenic dyskinesia. Last evaluated: 2024-05-02. Review status: criteria provided, single submitter. Criteria: Invitae Variant Classification Sherloc (09022015). Collection method: clinical testing. Allele origin: germline.
Comment: This sequence change replaces proline, which is neutral and non-polar, with alanine, which is neutral and non-polar, at codon 113 of the PNKD protein (p.Pro113Ala). This variant is not present in population databases (gnomAD no frequency). This variant has not been reported in the literature in individuals affected with PNKD-related conditions. Advanced modeling of protein sequence and biophysical properties (such as structural, functional, and spatial information, amino acid conservation, physicochemical variation, residue mobility, and thermodynamic stability) performed at Invitae indicates that this missense variant is not expected to disrupt PNKD protein function with a negative predictive value of 80%. In summary, the available evidence is currently insufficient to determine the role of this variant in disease. Therefore, it has been classified as a Variant of Uncertain Significance.

NM_015488.5(PNKD):c.337C>G (p.Pro113Ala)

Genes: CATIP-AS2 (CATIP antisense RNA 2; minus strand), PNKD (PNKD metallo-beta-lactamase domain containing; plus strand). Cytogenetic location: 2q35.
Variant type: single nucleotide variant.
Coding change: c.337C>G on transcript NM_015488.5 (MANE Select); coding-DNA position 337, C replaced by G.
Protein change: p.Pro113Ala; replaces proline 113 with alanine.
Molecular consequence: missense variant.
Genome position (GRCh38, 1-based): chr2:218,339,883, C>G. VCF-style: chr2-218339883-C-G. GRCh37 (hg19) VCF-style: chr2-219204606-C-G.
Other names: c.265C>G, p.Pro89Ala (NM_022572.5); short protein forms P113A, P89A.
Identifiers: ClinVar variation 3695327 (VCV003695327.2).
Genomic context (GRCh38, chr2:218,339,883, plus strand): 5'-TACCGACAGCAGCTGCGCAGGGCTCGGAATCGCTACCCTAAAGGCCACTCGAAAACCCAG[C>G]CCCGCCTCTTCAATGGTGAGCTCTGACTGCCCCGGCCAGCATCCCCCATTCTGTGCCCCC-3'
Protein context (NP_056303.3, residues 103-123): RYPKGHSKTQ[Pro113Ala]RLFNGVKVLP